The following is an entry in ClinVar:

ClinVar aggregate classification (germline): Uncertain significance (1 of 4 stars; one submission).

Conditions:
Atrial fibrillation, familial, 14 (ATFB14). Identifiers: MedGen C3809312, MONDO:0014156, OMIM 615378.

Allele frequency attached by ClinVar (database versions not stated): gnomAD exomes 0.00001; ExAC 0.00002; TOPMed 0.00002; gnomAD 0.00003.

Submission:

Labcorp Genetics (formerly Invitae), Labcorp
Classification: Uncertain significance for Atrial fibrillation, familial, 14. Last evaluated: 2020-02-10. Review status: criteria provided, single submitter. Criteria: Invitae Variant Classification Sherloc (09022015). Collection method: clinical testing. Allele origin: germline.
Comment: Algorithms developed to predict the effect of missense changes on protein structure and function do not agree on the potential impact of this missense change (SIFT: "Deleterious"; PolyPhen-2: "Probably Damaging"; Align-GVGD: "Class C15"). This sequence change replaces valine with methionine at codon 117 of the SCN2B protein (p.Val117Met). The valine residue is highly conserved and there is a small physicochemical difference between valine and methionine. This variant is present in population databases (rs754755062, ExAC 0.003%) but has not been reported in the literature in individuals with a SCN2B-related disease. In summary, this variant is a rare missense change with uncertain impact on protein function. There is no indication that it causes disease, but the available evidence is currently insufficient to prove that conclusively. Therefore, it has been classified as a Variant of Uncertain Significance.

NM_004588.5(SCN2B):c.349G>A (p.Val117Met)

Gene: SCN2B (sodium voltage-gated channel beta subunit 2; minus strand). Cytogenetic location: 11q23.3.
Variant type: single nucleotide variant.
Coding change: c.349G>A on transcript NM_004588.5 (MANE Select); coding-DNA position 349, G replaced by A.
Protein change: p.Val117Met; replaces valine 117 with methionine.
Molecular consequence: missense variant.
Genome position (GRCh38, 1-based): chr11:118,168,184, C>T on the plus strand (G>A on the coding strand, the complement: SCN2B is on the minus strand). VCF-style: chr11-118168184-C-T. GRCh37 (hg19) VCF-style: chr11-118038899-C-T.
Other names: short protein forms V117M.
Identifiers: ClinVar variation 477770 (VCV000477770.8), dbSNP rs754755062, ClinGen allele CA6300476.